The following is an entry in ClinVar:

NM_001128164.2(ATXN1):c.1575C>T (p.Thr525=)

Gene: ATXN1 (ataxin 1; minus strand). Cytogenetic location: 6p22.3.
Variant type: single nucleotide variant.
Coding change: c.1575C>T on transcript NM_001128164.2 (MANE Select); coding-DNA position 1575, C replaced by T.
Protein change: p.Thr525=; no amino-acid change (threonine 525 retained).
Molecular consequence: synonymous variant. On other transcripts: 3 prime UTR variant (1).
Genome position (GRCh38, 1-based): chr6:16,326,736, G>A on the plus strand (C>T on the coding strand, the complement: ATXN1 is on the minus strand). VCF-style: chr6-16326736-G-A. GRCh37 (hg19) VCF-style: chr6-16326967-G-A.
Other names: c.1575C>T, p.Thr525= (NM_000332.4); c.*988C>T (NM_001357857.2).
Identifiers: ClinVar variation 1676010 (VCV001676010.35), dbSNP rs142882444, ClinGen allele CA3645308.
Genomic context (GRCh38, chr6:16,326,736, plus strand): 5'-TGGGTAGGCGGCCTGGGTGACCAGGGCCTCAGGGTTGAAGTTCTCGCTCTTGGGAAGGGC[G>A]GTGGTGACGAACGTGTGAGGCACTGCAGCAAACTGGGGGGATGACGTGACTATGGCCGGG-3'
Protein context (NP_001121636.1, residues 515-535): FAAVPHTFVT[Thr525=]ALPKSENFNP

ClinVar aggregate classification (germline): Likely benign. Review status: criteria provided, multiple submitters, no conflicts (2 of 4 stars). 2 submissions from 2 submitters: Likely benign (2). Last evaluated 2026-01-01.

Allele frequency attached by ClinVar (database versions not stated): gnomAD exomes 0.00033; ExAC 0.00034; TOPMed 0.00039; ESP Exome Variant Server 0.00046; gnomAD 0.00052 and 0.00054.
gnomAD v4.1: 807 of 1,613,524 alleles (0.05%); highest among the groups gnomAD compares: Non-Finnish European, 0.063%; 1 homozygote.

Submissions (2):

CeGaT Center for Human Genetics Tuebingen
Classification: Likely benign. Last evaluated: 2026-01-01. Review status: criteria provided, single submitter. Criteria: CeGaT Center For Human Genetics Tuebingen Variant Classification Criteria Version 2. Collection method: clinical testing. Allele origin: germline. Affected: yes. Observed: 2 variant alleles.
Comment: ATXN1: BP4, BP7

Blueprint Genetics
Classification: Likely benign. Last evaluated: 2024-10-28. Review status: criteria provided, single submitter. Criteria: ACMG Guidelines, 2015. Collection method: clinical testing. Allele origin: germline.